The following is an entry in ClinVar:

NM_000304.4(PMP22):c.*200T>G

Gene: PMP22 (peripheral myelin protein 22; minus strand). Cytogenetic location: 17p12.
Variant type: single nucleotide variant.
Coding change: c.*200T>G on transcript NM_000304.4 (MANE Select); 200 bases downstream of the stop codon, T replaced by G.
Molecular consequence: 3 prime UTR variant. On other transcripts: non-coding transcript variant (2).
Genome position (GRCh38, 1-based): chr17:15,230,717, A>C on the plus strand (T>G on the coding strand, the complement: PMP22 is on the minus strand). VCF-style: chr17-15230717-A-C. GRCh37 (hg19) VCF-style: chr17-15134034-A-C.
Other names: c.*200T>G (NM_001281455.2, NM_001281456.2, NM_153321.3 and 1 more transcripts).
Identifiers: ClinVar variation 888884 (VCV000888884.7), dbSNP rs142106420, ClinGen allele CA8403258.

ClinVar aggregate classification (germline): Benign. Review status: criteria provided, multiple submitters, no conflicts (2 of 4 stars). 4 submissions from 3 submitters: Benign (4). Last evaluated 2025-09-04.

Conditions:
Charcot-Marie-Tooth disease, type I (CMT1). Also called: Charcot-Marie-Tooth, Type 1; Charcot-Marie-Tooth disease type 1. Identifiers: Orphanet 65753, MedGen C0751036, MONDO:0019011.
Hereditary liability to pressure palsies (HNPP). Also called: POLYNEUROPATHY, FAMILIAL RECURRENT; TOMACULOUS NEUROPATHY; Hereditary Neuropathy with Liability to Pressure Palsies. Identifiers: Orphanet 640, MedGen C0393814, MONDO:0008087, OMIM 162500.

Allele frequency attached by ClinVar (database versions not stated): ExAC 0.00036; gnomAD 0.00063 and 0.00064; 1000 Genomes Project 30x 0.00078; 1000 Genomes Project 0.00080; TOPMed 0.00081; gnomAD exomes 0.00084 and 0.00097.
gnomAD v4.1: 537 of 604,210 alleles (0.089%); highest among the groups gnomAD compares: South Asian, 0.26%; 4 homozygotes.

Submissions (4):

Women's Health and Genetics/Laboratory Corporation of America, LabCorp
Classification: Benign. Last evaluated: 2025-09-04. Review status: criteria provided, single submitter. Criteria: LabCorp Variant Classification Summary - May 2015. Collection method: clinical testing. Allele origin: germline.

GeneDx
Classification: Benign. Last evaluated: 2020-01-11. Review status: criteria provided, single submitter. Criteria: GeneDx Variant Classification Process June 2021. Collection method: clinical testing. Allele origin: germline. Affected: yes.

Illumina Laboratory Services, Illumina
Classification: Benign for Hereditary liability to pressure palsies. Last evaluated: 2018-01-12. Review status: criteria provided, single submitter. Criteria: ICSL Variant Classification Criteria 13 December 2019. Collection method: clinical testing. Allele origin: germline.
Comment: This variant was observed in the ICSL laboratory as part of a predisposition screen in an ostensibly healthy population. It had not been previously curated by ICSL or reported in the Human Gene Mutation Database (HGMD: prior to June 1st, 2018), and was therefore a candidate for classification through an automated scoring system. Utilizing variant allele frequency, disease prevalence and penetrance estimates, and inheritance mode, an automated score was calculated to assess if this variant is too frequent to cause the disease. Based on the score and internal cut-off values, a variant classified as benign is not then subjected to further curation. The score for this variant resulted in a classification of benign for this disease.

Illumina Laboratory Services, Illumina
Classification: Benign for Charcot-Marie-Tooth disease, type I. Last evaluated: 2018-01-12. Review status: criteria provided, single submitter. Criteria: ICSL Variant Classification Criteria 13 December 2019. Collection method: clinical testing. Allele origin: germline.
Comment: the same text as in the submission from Illumina Laboratory Services, Illumina above.